The following is an entry in ClinVar:

ClinVar aggregate classification (germline): Likely benign (1 of 4 stars; one submission).

Allele frequency attached by ClinVar (database versions not stated): gnomAD exomes 0.00001.
gnomAD v4.1: 20 of 1,551,210 alleles (0.0013%); highest among the groups gnomAD compares: Non-Finnish European, 0.0017%; no homozygotes.

Submission:

CeGaT Center for Human Genetics Tuebingen
Classification: Likely benign. Last evaluated: 2022-03-01. Review status: criteria provided, single submitter. Criteria: CeGaT Center For Human Genetics Tuebingen Variant Classification Criteria Version 2. Collection method: clinical testing. Allele origin: germline. Affected: yes. Observed: 1 variant allele.
Comment: TCF4: PM2:Supporting, BP4, BP7

NM_001243226.3(TCF4):c.114A>G (p.Ser38=)

Gene: TCF4 (transcription factor 4; minus strand). Cytogenetic location: 18q21.2.
Variant type: single nucleotide variant.
Coding change: c.114A>G on transcript NM_001243226.3; coding-DNA position 114, A replaced by G.
Protein change: p.Ser38=; no amino-acid change (serine 38 retained).
Molecular consequence: synonymous variant.
Genome position (GRCh38, 1-based): chr18:55,635,784, T>C on the plus strand (A>G on the coding strand, the complement: TCF4 is on the minus strand). VCF-style: chr18-55635784-T-C. GRCh37 (hg19) VCF-style: chr18-53303015-T-C.
Identifiers: ClinVar variation 2648740 (VCV002648740.22), dbSNP rs2097735786, ClinGen allele CA504120965.